The following is an entry in ClinVar:

ClinVar aggregate classification (germline): Uncertain significance (1 of 4 stars; one submission).

Conditions:
Autosomal dominant nonsyndromic hearing loss 1. Also called: KONIGSMARK SYNDROME; DEAFNESS, AUTOSOMAL DOMINANT 1, WITH OR WITHOUT THROMBOCYTOPENIA. Identifiers: Orphanet 90635, MedGen C1852282, MONDO:0007424, OMIM 124900.
Progressive microcephaly-seizures-cortical blindness-developmental delay syndrome. Also called: Seizures, cortical blindness, and microcephaly syndrome. Identifiers: Orphanet 477814, MedGen C5567650, MONDO:0014714, OMIM 616632.

gnomAD v4.1: 2 of 1,614,256 alleles (0.00012%); highest among the groups gnomAD compares: East Asian, 0.0045%; no homozygotes.

Submission:

Labcorp Genetics (formerly Invitae), Labcorp
Classification: Uncertain significance for Progressive microcephaly-seizures-cortical blindness-developmental delay syndrome; Autosomal dominant nonsyndromic hearing loss 1. Last evaluated: 2024-10-06. Review status: criteria provided, single submitter. Criteria: Invitae Variant Classification Sherloc (09022015). Collection method: clinical testing. Allele origin: germline.
Comment: This sequence change replaces lysine, which is basic and polar, with threonine, which is neutral and polar, at codon 1252 of the DIAPH1 protein (p.Lys1252Thr). This variant is not present in population databases (gnomAD no frequency). This variant has not been reported in the literature in individuals affected with DIAPH1-related conditions. An algorithm developed to predict the effect of missense changes on protein structure and function (PolyPhen-2) suggests that this variant is likely to be disruptive. In summary, the available evidence is currently insufficient to determine the role of this variant in disease. Therefore, it has been classified as a Variant of Uncertain Significance.

NM_005219.5(DIAPH1):c.3755A>C (p.Lys1252Thr)

Gene: DIAPH1 (diaphanous related formin 1; minus strand). Cytogenetic location: 5q31.3.
Variant type: single nucleotide variant.
Coding change: c.3755A>C on transcript NM_005219.5 (MANE Select); coding-DNA position 3755, A replaced by C.
Protein change: p.Lys1252Thr; replaces lysine 1252 with threonine.
Molecular consequence: missense variant. On other transcripts: 3 prime UTR variant (1).
Genome position (GRCh38, 1-based): chr5:141,516,915, T>G on the plus strand (A>C on the coding strand, the complement: DIAPH1 is on the minus strand). VCF-style: chr5-141516915-T-G. GRCh37 (hg19) VCF-style: chr5-140896482-T-G.
Other names: c.3728A>C, p.Lys1243Thr (NM_001079812.3); c.*55A>C (NM_001314007.2); short protein forms K1243T, K1252T.
Identifiers: ClinVar variation 3752300 (VCV003752300.2).